The following is an entry in ClinVar:

ClinVar aggregate classification (germline): Benign/Likely benign. Review status: criteria provided, multiple submitters, no conflicts (2 of 4 stars). 2 submissions from 2 submitters: Benign (1); Likely benign (1). Last evaluated 2025-09-23.

Allele frequency attached by ClinVar (database versions not stated): gnomAD exomes below 0.00001; TOPMed 0.00001; gnomAD 0.00003 and 0.00004; 1000 Genomes Project 30x 0.00031.
gnomAD v4.1: 9 of 1,227,098 alleles (0.00073%); highest among the groups gnomAD compares: African/African-American, 0.0063%; no homozygotes.

Submissions (2):

Labcorp Genetics (formerly Invitae), Labcorp
Classification: Benign. Last evaluated: 2025-09-23. Review status: criteria provided, single submitter. Criteria: Invitae Variant Classification Sherloc (09022015). Collection method: clinical testing. Allele origin: germline.

GeneDx
Classification: Likely benign. Last evaluated: 2016-07-18. Review status: criteria provided, single submitter. Criteria: GeneDx Variant Classification (06012015). Collection method: clinical testing. Allele origin: germline. Affected: yes.
Comment: This variant is considered likely benign or benign based on one or more of the following criteria: it is a conservative change, it occurs at a poorly conserved position in the protein, it is predicted to be benign by multiple in silico algorithms, and/or has population frequency not consistent with disease.

NM_006015.6(ARID1A):c.111C>T (p.Gly37=)

Gene: ARID1A (AT-rich interaction domain 1A; plus strand). Cytogenetic location: 1p36.11.
Variant type: single nucleotide variant.
Coding change: c.111C>T on transcript NM_006015.6 (MANE Select); coding-DNA position 111, C replaced by T.
Protein change: p.Gly37=; no amino-acid change (glycine 37 retained).
Molecular consequence: synonymous variant.
Genome position (GRCh38, 1-based): chr1:26,696,514, C>T. VCF-style: chr1-26696514-C-T. GRCh37 (hg19) VCF-style: chr1-27023005-C-T.
Other names: c.111C>T (LRG_875t1); c.111C>T, p.Gly37= (NM_139135.4).
Identifiers: ClinVar variation 387741 (VCV000387741.6), dbSNP rs1057522894, ClinGen allele CA16603606.